The following is an entry in ClinVar:

ClinVar aggregate classification (germline): Uncertain significance. Review status: criteria provided, multiple submitters, no conflicts (2 of 4 stars). 2 submissions from 2 submitters: Uncertain significance (2). Last evaluated 2024-10-27.

Conditions:
Dilated cardiomyopathy 1KK (CMD1KK). Identifiers: Orphanet 154, Orphanet 75249, MedGen C3714995, MONDO:0014100, OMIM 615248.
Cardiovascular phenotype. Identifiers: MedGen CN230736.

Allele frequency attached by ClinVar (database versions not stated): gnomAD exomes below 0.00001.
gnomAD v4.1: 1 of 1,613,950 alleles (0.000062%); highest among the groups gnomAD compares: Non-Finnish European, 0.000085%; no homozygotes.

Submissions (2):

Ambry Genetics
Classification: Uncertain significance for Cardiovascular phenotype. Last evaluated: 2024-10-27. Review status: criteria provided, single submitter. Criteria: Ambry Variant Classification Scheme 2023. Collection method: clinical testing. Allele origin: germline.
Comment: The p.S1276T variant (also known as c.3826T>A), located in coding exon 19 of the MYPN gene, results from a T to A substitution at nucleotide position 3826. The serine at codon 1276 is replaced by threonine, an amino acid with similar properties. This amino acid position is conserved. In addition, this alteration is predicted to be tolerated by in silico analysis. Based on the available evidence, the clinical significance of this variant remains unclear.

Labcorp Genetics (formerly Invitae), Labcorp
Classification: Uncertain significance for Dilated cardiomyopathy 1KK. Last evaluated: 2022-03-09. Review status: criteria provided, single submitter. Criteria: Invitae Variant Classification Sherloc (09022015). Collection method: clinical testing. Allele origin: germline.
Comment: In summary, the available evidence is currently insufficient to determine the role of this variant in disease. Therefore, it has been classified as a Variant of Uncertain Significance. Algorithms developed to predict the effect of missense changes on protein structure and function output the following: SIFT: "Tolerated"; PolyPhen-2: "Benign"; Align-GVGD: "Class C0". The threonine amino acid residue is found in multiple mammalian species, which suggests that this missense change does not adversely affect protein function. ClinVar contains an entry for this variant (Variation ID: 1019789). This variant has not been reported in the literature in individuals affected with MYPN-related conditions. This variant is not present in population databases (gnomAD no frequency). This sequence change replaces serine, which is neutral and polar, with threonine, which is neutral and polar, at codon 1276 of the MYPN protein (p.Ser1276Thr).

NM_032578.4(MYPN):c.3826T>A (p.Ser1276Thr)

Gene: MYPN (myopalladin; plus strand). Cytogenetic location: 10q21.3.
Variant type: single nucleotide variant.
Coding change: c.3826T>A on transcript NM_032578.4 (MANE Select); coding-DNA position 3826, T replaced by A.
Protein change: p.Ser1276Thr; replaces serine 1276 with threonine.
Molecular consequence: missense variant. On other transcripts: non-coding transcript variant (2).
Genome position (GRCh38, 1-based): chr10:68,210,318, T>A. VCF-style: chr10-68210318-T-A. GRCh37 (hg19) VCF-style: chr10-69970075-T-A.
Other names: c.3826T>A, p.Ser1276Thr (NM_001256267.2); c.2944T>A, p.Ser982Thr (NM_001256268.2); c.3826T>A (NM_032578.2); short protein forms S1276T, S982T.
Identifiers: ClinVar variation 1019789 (VCV001019789.11), dbSNP rs2043888970, ClinGen allele CA376829922.
Genomic context (GRCh38, chr10:68,210,318, plus strand): 5'-ATAACACATTATTTGGTCCATTTTCCAGCTCAGTGGCACCATCAGATCCCACCGCCCATG[T>A]CTGTCCGGCCCAGTGGCAGTCGCTACGGATCTCTCACCAGTAAAGGACTTGACATATTTT-3'
Protein context (NP_115967.2, residues 1266-1286): QWHHQIPPPM[Ser1276Thr]VRPSGSRYGS